The following is an entry in ClinVar:

ClinVar aggregate classification (germline): Conflicting classifications of pathogenicity. Review status: criteria provided, conflicting classifications (1 of 4 stars). 3 submissions from 1 submitter: Uncertain significance (1); Benign (2). Last evaluated 2018-01-12.

Conditions:
Atrial fibrillation, familial, 9 (ATFB9). Identifiers: MedGen C3151431, MONDO:0013513, OMIM 613980.
Andersen Tawil syndrome (LQT7). Also called: Potassium-sensitive periodic paralysis, ventricular ectopy, and dysmorphic features; ANDERSEN CARDIODYSRHYTHMIC PERIODIC PARALYSIS; LONG QT SYNDROME 7; PERIODIC PARALYSIS, POTASSIUM-SENSITIVE CARDIODYSRHYTHMIC TYPE; Andersen Syndrome. Identifiers: Orphanet 37553, MedGen C1563715, MONDO:0008222, OMIM 170390.
Short QT syndrome type 3. Identifiers: Orphanet 51083, MedGen C1865018, MONDO:0012314, OMIM 609622.

Allele frequency attached by ClinVar (database versions not stated): gnomAD 0.00008 and 0.00014; TOPMed 0.00017; 1000 Genomes Project 0.00060; 1000 Genomes Project 30x 0.00078.
gnomAD v4.1: 21 of 162,328 alleles (0.013%); highest among the groups gnomAD compares: East Asian, 0.34%; no homozygotes.

Submissions (3):

Illumina Laboratory Services, Illumina
Classification: Benign for Andersen Tawil syndrome. Last evaluated: 2018-01-12. Review status: criteria provided, single submitter. Criteria: ICSL Variant Classification Criteria 13 December 2019. Collection method: clinical testing. Allele origin: germline.
Comment: This variant was observed in the ICSL laboratory as part of a predisposition screen in an ostensibly healthy population. It had not been previously curated by ICSL or reported in the Human Gene Mutation Database (HGMD: prior to June 1st, 2018), and was therefore a candidate for classification through an automated scoring system. Utilizing variant allele frequency, disease prevalence and penetrance estimates, and inheritance mode, an automated score was calculated to assess if this variant is too frequent to cause the disease. Based on the score and internal cut-off values, a variant classified as benign is not then subjected to further curation. The score for this variant resulted in a classification of benign for this disease.

Illumina Laboratory Services, Illumina
Classification: Uncertain significance for Atrial fibrillation, familial, 9. Last evaluated: 2018-01-12. Review status: criteria provided, single submitter. Criteria: ICSL Variant Classification Criteria 13 December 2019. Collection method: clinical testing. Allele origin: germline.

Illumina Laboratory Services, Illumina
Classification: Benign for Short QT syndrome type 3. Last evaluated: 2018-01-12. Review status: criteria provided, single submitter. Criteria: ICSL Variant Classification Criteria 13 December 2019. Collection method: clinical testing. Allele origin: germline.
Comment: the same text as in the submission from Illumina Laboratory Services, Illumina above.

NM_000891.3(KCNJ2):c.*1815G>A

Gene: KCNJ2 (potassium inwardly rectifying channel subfamily J member 2; plus strand). Cytogenetic location: 17q24.3.
Variant type: single nucleotide variant.
Coding change: c.*1815G>A on transcript NM_000891.3 (MANE Select); 1815 bases downstream of the stop codon, G replaced by A.
Molecular consequence: 3 prime UTR variant.
Genome position (GRCh38, 1-based): chr17:70,178,138, G>A. VCF-style: chr17-70178138-G-A. GRCh37 (hg19) VCF-style: chr17-68174279-G-A.
Identifiers: ClinVar variation 324869 (VCV000324869.5), dbSNP rs552577704, ClinGen allele CA10649977.